The following is an entry in ClinVar:

ClinVar aggregate classification (germline): Pathogenic (1 of 4 stars; one submission).

Allele frequency attached by ClinVar (database versions not stated): TOPMed below 0.00001; ExAC 0.00001; gnomAD 0.00001; ESP Exome Variant Server 0.00009.

Submission:

Labcorp Genetics (formerly Invitae), Labcorp
Classification: Pathogenic. Last evaluated: 2023-04-13. Review status: criteria provided, single submitter. Criteria: Invitae Variant Classification Sherloc (09022015). Collection method: clinical testing. Allele origin: germline.
Comment: For these reasons, this variant has been classified as Pathogenic. This variant has not been reported in the literature in individuals affected with ITPR1-related conditions. This variant is present in population databases (rs749438937, gnomAD 0.007%). This sequence change creates a premature translational stop signal (p.Val2571Serfs*23) in the ITPR1 gene. It is expected to result in an absent or disrupted protein product. Loss-of-function variants in ITPR1 are known to be pathogenic (PMID: 27108797).

Literature cited by the submitters: PubMed 27108797.

NM_001378452.1(ITPR1):c.7899del (p.Val2634fs)

Gene: ITPR1 (inositol 1,4,5-trisphosphate receptor type 1; plus strand). Cytogenetic location: 3p26.1.
Variant type: Deletion.
Coding change: c.7899del on transcript NM_001378452.1 (MANE Select); coding-DNA position 7899, one base deleted (T; older notation c.7899delT).
Protein change: p.Val2634fs; shifts the reading frame from valine 2634.
Molecular consequence: frameshift variant.
Genome position (GRCh38, 1-based): chr3:4,818,113, T deleted. VCF-style (leftmost placement, unchanged base first): chr3-4818112-CT-C. GRCh37 (hg19) VCF-style: chr3-4859796-CT-C.
Other names: c.7755del, p.Val2586fs (NM_001099952.4); c.7854del, p.Val2619fs (NM_001168272.2); c.7710del, p.Val2571fs (NM_002222.7); short protein forms V2634fs, V2619fs, V2571fs, V2586fs.
Identifiers: ClinVar variation 2854043 (VCV002854043.3), dbSNP rs749438937, ClinGen allele CA2233008.